The following is an entry in ClinVar:

NM_001330260.2(SCN8A):c.197C>A (p.Pro66His)

Genes: SCN8A (sodium voltage-gated channel alpha subunit 8; plus strand), LOC114803470 (SCN8A eExon liver enhancer; plus strand). Cytogenetic location: 12q13.13.
Variant type: single nucleotide variant.
Coding change: c.197C>A on transcript NM_001330260.2 (MANE Select); coding-DNA position 197, C replaced by A.
Protein change: p.Pro66His; replaces proline 66 with histidine.
Molecular consequence: missense variant.
Genome position (GRCh38, 1-based): chr12:51,663,014, C>A. VCF-style: chr12-51663014-C-A. GRCh37 (hg19) VCF-style: chr12-52056798-C-A.
Other names: c.197C>A, p.Pro66His (NM_001177984.3, NM_001369788.1, NM_014191.4); short protein forms P66H.
Identifiers: ClinVar variation 931684 (VCV000931684.3), dbSNP rs1940955829, ClinGen allele CA385228265.

ClinVar aggregate classification (germline): Uncertain significance (1 of 4 stars; one submission).

Conditions:
Developmental and epileptic encephalopathy, 13 (DEE13). Also called: Early infantile epileptic encephalopathy 13; SCN8A-Related Epilepsy; Developmental and Epileptic Encephalopathy (SCN8A-DEE). Identifiers: Orphanet 442835, MedGen C3281191, MONDO:0013801, OMIM 614558.

Submission:

Centre for Mendelian Genomics, University Medical Centre Ljubljana
Classification: Uncertain significance for Developmental and epileptic encephalopathy, 13. Last evaluated: 2019-08-20. Review status: criteria provided, single submitter. Criteria: ACMG Guidelines, 2015. Collection method: clinical testing. Allele origin: unknown. Affected: yes.
Comment: This variant was classified as: Uncertain significance. The available evidence on this variant's pathogenicity is insufficient or conflicting. The following ACMG criteria were applied in classifying this variant: PM2,PP2,PP3.